The following is an entry in ClinVar:

ClinVar aggregate classification (germline): Uncertain significance (1 of 4 stars; one submission).

gnomAD v4.1: 4 of 1,614,122 alleles (0.00025%); highest among the groups gnomAD compares: African/African-American, 0.0013%; no homozygotes.

Submission:

Labcorp Genetics (formerly Invitae), Labcorp
Classification: Uncertain significance. Last evaluated: 2022-02-02. Review status: criteria provided, single submitter. Criteria: Invitae Variant Classification Sherloc (09022015). Collection method: clinical testing. Allele origin: germline.
Comment: In summary, the available evidence is currently insufficient to determine the role of this variant in disease. Therefore, it has been classified as a Variant of Uncertain Significance. Algorithms developed to predict the effect of missense changes on protein structure and function are either unavailable or do not agree on the potential impact of this missense change (SIFT: "Tolerated"; PolyPhen-2: "Possibly Damaging"; Align-GVGD: "Class C0"). This variant has not been reported in the literature in individuals affected with STAT4-related conditions. This variant is present in population databases (rs755317297, gnomAD 0.0009%). This sequence change replaces methionine, which is neutral and non-polar, with valine, which is neutral and non-polar, at codon 517 of the STAT4 protein (p.Met517Val).

NM_003151.4(STAT4):c.1549A>G (p.Met517Val)

Gene: STAT4 (signal transducer and activator of transcription 4; minus strand). Cytogenetic location: 2q32.2.
Variant type: single nucleotide variant.
Coding change: c.1549A>G on transcript NM_003151.4 (MANE Select); coding-DNA position 1549, A replaced by G.
Protein change: p.Met517Val; replaces methionine 517 with valine.
Molecular consequence: missense variant.
Genome position (GRCh38, 1-based): chr2:191,036,185, T>C on the plus strand (A>G on the coding strand, the complement: STAT4 is on the minus strand). VCF-style: chr2-191036185-T-C. GRCh37 (hg19) VCF-style: chr2-191900911-T-C.
Other names: c.1549A>G, p.Met517Val (NM_001243835.2); short protein forms M517V.
Identifiers: ClinVar variation 1351901 (VCV001351901.8), dbSNP rs755317297, ClinGen allele CA2030560.